The following is an entry in ClinVar:

NM_001367770.1(PNMA6E):c.813A>G (p.Ala271=)

Gene: PNMA6E (PNMA family member 6E; minus strand). Cytogenetic location: Xq28.
Variant type: single nucleotide variant.
Coding change: c.813A>G on transcript NM_001367770.1 (MANE Select); coding-DNA position 813, A replaced by G.
Protein change: p.Ala271=; no amino-acid change (alanine 271 retained).
Molecular consequence: synonymous variant. On other transcripts: intron variant (2).
Genome position (GRCh38, 1-based): chrX:153,398,037, T>C on the plus strand (A>G on the coding strand, the complement: PNMA6E is on the minus strand). VCF-style: chrX-153398037-T-C. GRCh37 (hg19) VCF-style: chrX-152663495-T-C.
Other names: c.144-165A>G (NM_001351293.2, NM_001351294.2).
Identifiers: ClinVar variation 2661681 (VCV002661681.24), dbSNP rs1299590034, ClinGen allele CA645292322.

ClinVar aggregate classification (germline): Likely benign (1 of 4 stars; one submission).

Allele frequency attached by ClinVar (database versions not stated): TOPMed 0.00005; gnomAD 0.00010; gnomAD exomes 0.00013.

Submission:

CeGaT Center for Human Genetics Tuebingen
Classification: Likely benign. Last evaluated: 2022-11-01. Review status: criteria provided, single submitter. Criteria: CeGaT Center For Human Genetics Tuebingen Variant Classification Criteria Version 2. Collection method: clinical testing. Allele origin: germline. Affected: yes. Observed: 1 variant allele.
Comment: PNMA6E: BS2